The following is an entry in ClinVar:

NM_005245.4(FAT1):c.3781G>A (p.Asp1261Asn)

Gene: FAT1 (FAT atypical cadherin 1; minus strand). Cytogenetic location: 4q35.2.
Variant type: single nucleotide variant.
Coding change: c.3781G>A on transcript NM_005245.4 (MANE Select); coding-DNA position 3781, G replaced by A.
Protein change: p.Asp1261Asn; replaces aspartic acid 1261 with asparagine.
Molecular consequence: missense variant.
Genome position (GRCh38, 1-based): chr4:186,636,776, C>T on the plus strand (G>A on the coding strand, the complement: FAT1 is on the minus strand). VCF-style: chr4-186636776-C-T. GRCh37 (hg19) VCF-style: chr4-187557930-C-T.
Other names: short protein forms D1261N.
Identifiers: ClinVar variation 3611363 (VCV003611363.2).

ClinVar aggregate classification (germline): Uncertain significance (1 of 4 stars; one submission).

gnomAD v4.1: 21 of 1,613,854 alleles (0.0013%); highest among the groups gnomAD compares: Admixed American, 0.032%; no homozygotes.

Submission:

Labcorp Genetics (formerly Invitae), Labcorp
Classification: Uncertain significance. Last evaluated: 2024-12-24. Review status: criteria provided, single submitter. Criteria: Invitae Variant Classification Sherloc (09022015). Collection method: clinical testing. Allele origin: germline.
Comment: This sequence change replaces aspartic acid, which is acidic and polar, with asparagine, which is neutral and polar, at codon 1261 of the FAT1 protein (p.Asp1261Asn). This variant is present in population databases (no rsID available, gnomAD 0.02%). This variant has not been reported in the literature in individuals affected with FAT1-related conditions. An algorithm developed to predict the effect of missense changes on protein structure and function (PolyPhen-2) suggests that this variant is likely to be tolerated. In summary, the available evidence is currently insufficient to determine the role of this variant in disease. Therefore, it has been classified as a Variant of Uncertain Significance.